The following is an entry in ClinVar:

ClinVar aggregate classification (germline): Uncertain significance (1 of 4 stars; one submission).

Conditions:
PLXNA1-related disorder. Also called: PLXNA1-related condition.

gnomAD v4.1: 1 of 1,612,828 alleles (0.000062%); highest among the groups gnomAD compares: African/African-American, 0.0013%; no homozygotes.

Submission:

PreventionGenetics, part of Exact Sciences
Classification: Uncertain significance for PLXNA1-related condition. Last evaluated: 2025-12-23. Review status: criteria provided, single submitter. Criteria: ACMG Guidelines, 2015. Collection method: clinical testing. Allele origin: germline.
Comment: The PLXNA1 c.3560A>G variant is predicted to result in the amino acid substitution p.Asn1187Ser. To our knowledge, this variant has not been reported in the literature. This variant is reported in 0.0062% of alleles in individuals of African descent in gnomAD. At this time, the clinical significance of this variant is uncertain due to the absence of conclusive functional and genetic evidence.

NM_032242.4(PLXNA1):c.3560A>G (p.Asn1187Ser)

Gene: PLXNA1 (plexin A1; plus strand). Cytogenetic location: 3q21.3.
Variant type: single nucleotide variant.
Coding change: c.3560A>G on transcript NM_032242.4 (MANE Select); coding-DNA position 3560, A replaced by G.
Protein change: p.Asn1187Ser; replaces asparagine 1187 with serine.
Molecular consequence: missense variant.
Genome position (GRCh38, 1-based): chr3:127,017,792, A>G. VCF-style: chr3-127017792-A-G. GRCh37 (hg19) VCF-style: chr3-126736635-A-G.
Other names: short protein forms N1187S.
Identifiers: ClinVar variation 3354584 (VCV003354584.2).
Genomic context (GRCh38, chr3:127,017,792, plus strand): 5'-ACCCCCATCTCCTACAGGGCCGGAACCTCTTGCCACCTGCACCCGGCAACTCCCGACTCA[A>G]CTACACGGTGCTCATCGGCTCCACACCCTGTACCCTCACCGTGTCGGAGACGCAACTGCT-3'
Protein context (NP_115618.3, residues 1177-1197): LPPAPGNSRL[Asn1187Ser]YTVLIGSTPC